The following is an entry in ClinVar:

ClinVar aggregate classification (germline): Uncertain significance (1 of 4 stars; one submission).

Conditions:
Severe combined immunodeficiency due to IKK2 deficiency. Also called: IMMUNODEFICIENCY 15B; Immunodeficiency 15. Identifiers: Orphanet 397787, MedGen C4747743, MONDO:0014267, OMIM 615592.

Allele frequency attached by ClinVar (database versions not stated): gnomAD exomes below 0.00001; ExAC 0.00001.
gnomAD v4.1: 1 of 1,614,160 alleles (0.000062%); highest among the groups gnomAD compares: Non-Finnish European, 0.000085%; no homozygotes.

Submission:

Labcorp Genetics (formerly Invitae), Labcorp
Classification: Uncertain significance for Severe combined immunodeficiency due to IKK2 deficiency. Last evaluated: 2024-05-30. Review status: criteria provided, single submitter. Criteria: Invitae Variant Classification Sherloc (09022015). Collection method: clinical testing. Allele origin: germline.
Comment: This sequence change replaces glutamic acid, which is acidic and polar, with lysine, which is basic and polar, at codon 499 of the IKBKB protein (p.Glu499Lys). This variant is present in population databases (rs774429138, gnomAD 0.0009%). This variant has not been reported in the literature in individuals affected with IKBKB-related conditions. ClinVar contains an entry for this variant (Variation ID: 2069750). Advanced modeling of protein sequence and biophysical properties (such as structural, functional, and spatial information, amino acid conservation, physicochemical variation, residue mobility, and thermodynamic stability) performed at Invitae indicates that this missense variant is not expected to disrupt IKBKB protein function with a negative predictive value of 95%. In summary, the available evidence is currently insufficient to determine the role of this variant in disease. Therefore, it has been classified as a Variant of Uncertain Significance.

NM_001556.3(IKBKB):c.1495G>A (p.Glu499Lys)

Gene: IKBKB (inhibitor of nuclear factor kappa B kinase subunit beta; plus strand). Cytogenetic location: 8p11.21.
Variant type: single nucleotide variant.
Coding change: c.1495G>A on transcript NM_001556.3 (MANE Select); coding-DNA position 1495, G replaced by A.
Protein change: p.Glu499Lys; replaces glutamic acid 499 with lysine.
Molecular consequence: missense variant. On other transcripts: non-coding transcript variant (3).
Genome position (GRCh38, 1-based): chr8:42,319,400, G>A. VCF-style: chr8-42319400-G-A. GRCh37 (hg19) VCF-style: chr8-42176918-G-A.
Other names: c.1303G>A, p.Glu435Lys (NM_001190720.3); c.1318G>A, p.Glu440Lys (NM_001242778.2); short protein forms E435K, E440K, E499K.
Identifiers: ClinVar variation 2069750 (VCV002069750.4), dbSNP rs774429138, ClinGen allele CA4732007.